The following is an entry in ClinVar:

ClinVar aggregate classification (germline): Uncertain significance (1 of 4 stars; one submission).

Conditions:
Inborn genetic diseases. Identifiers: MedGen C0950123, MeSH D030342.

Submission:

Ambry Genetics
Classification: Uncertain significance for Inborn genetic diseases. Last evaluated: 2025-04-05. Review status: criteria provided, single submitter. Criteria: Ambry Variant Classification Scheme 2023. Collection method: clinical testing. Allele origin: germline.
Comment: The p.S521P variant (also known as c.1561T>C), located in coding exon 12 of the BUB1B gene, results from a T to C substitution at nucleotide position 1561. The serine at codon 521 is replaced by proline, an amino acid with similar properties. This amino acid position is conserved. In addition, this alteration is predicted to be tolerated by in silico analysis. Based on the available evidence, the clinical significance of this variant remains unclear.

NM_001211.6(BUB1B):c.1561T>C (p.Ser521Pro)

Gene: BUB1B (BUB1 mitotic checkpoint serine/threonine kinase B; plus strand). Cytogenetic location: 15q15.1.
Variant type: single nucleotide variant.
Coding change: c.1561T>C on transcript NM_001211.6 (MANE Select); coding-DNA position 1561, T replaced by C.
Protein change: p.Ser521Pro; replaces serine 521 with proline.
Molecular consequence: missense variant.
Genome position (GRCh38, 1-based): chr15:40,200,974, T>C. VCF-style: chr15-40200974-T-C. GRCh37 (hg19) VCF-style: chr15-40493175-T-C.
Other names: short protein forms S521P.
Identifiers: ClinVar variation 3993701 (VCV003993701.1).